The following is an entry in ClinVar:

ClinVar aggregate classification (germline): Uncertain significance (1 of 4 stars; one submission).

Allele frequency attached by ClinVar (database versions not stated): gnomAD exomes below 0.00001.
gnomAD v4.1: 6 of 1,610,644 alleles (0.00037%); highest among the groups gnomAD compares: African/African-American, 0.0013%; no homozygotes.

Submission:

GeneDx
Classification: Uncertain significance. Last evaluated: 2019-03-07. Review status: criteria provided, single submitter. Criteria: GeneDx Variant Classification Process June 2021. Collection method: clinical testing. Allele origin: germline. Affected: yes.
Comment: Not observed in large population cohorts (Lek et al., 2016); In silico analysis, which includes splice predictors and evolutionary conservation, supports that this variant does not alter protein structure/function; Has not been previously published as pathogenic or benign to our knowledge

NM_000899.5(KITLG):c.9G>A (p.Lys3=)

Gene: KITLG (KIT ligand; minus strand). Cytogenetic location: 12q21.32.
Variant type: single nucleotide variant.
Coding change: c.9G>A on transcript NM_000899.5 (MANE Select); coding-DNA position 9, G replaced by A.
Protein change: p.Lys3=; no amino-acid change (lysine 3 retained).
Molecular consequence: synonymous variant.
Genome position (GRCh38, 1-based): chr12:88,580,270, C>T on the plus strand (G>A on the coding strand, the complement: KITLG is on the minus strand). VCF-style: chr12-88580270-C-T. GRCh37 (hg19) VCF-style: chr12-88974047-C-T.
Other names: c.9G>A, p.Lys3= (NM_003994.6).
Identifiers: ClinVar variation 1318832 (VCV001318832.2), dbSNP rs2121003290, ClinGen allele CA481136769.